The following is an entry in ClinVar:

ClinVar aggregate classification (germline): Likely pathogenic (1 of 4 stars; one submission).

Conditions:
3-methylcrotonyl-CoA carboxylase 2 deficiency. Also called: 3 alpha methylcrotonyl-CoA carboxylase 2 deficiency; 3 alpha methylcrotonylglycinuria 2; MCC 2 deficiency; Methylcrotonylglycinuria type 2; METHYLCROTONYLGLYCINURIA, TYPE II. Identifiers: Orphanet 6, MedGen C1859499, MONDO:0008862, OMIM 210210.

Submission:

Natera, Inc.
Classification: Likely pathogenic for 3-methylcrotonyl-CoA carboxylase 2 deficiency. Last evaluated: 2024-12-11. Review status: criteria provided, single submitter. Criteria: Natera Variant Classification Schema (03/2026). Collection method: clinical testing. Allele origin: germline.
Comment: The c.163del variant in MCCC2 is a frameshift variant predicted to shift the reading frame beginning at codon 55 and leads to a stop codon 9 codons downstream. This variant is expected to result in nonsense mediated decay, truncation, or a dysfunctional protein product. This variant is rare in the general population with a frequency below the threshold expected for the associated phenotype(s). Given the available evidence, this variant is classified as Likely Pathogenic.

NM_022132.5(MCCC2):c.163del (p.Gln55fs)

Gene: MCCC2 (methylcrotonyl-CoA carboxylase subunit 2; plus strand). Cytogenetic location: 5q13.2.
Variant type: Deletion.
Coding change: c.163del on transcript NM_022132.5 (MANE Select); coding-DNA position 163, one base deleted (C; older notation c.163delC).
Protein change: p.Gln55fs; shifts the reading frame from glutamine 55.
Molecular consequence: frameshift variant.
Genome position (GRCh38, 1-based): chr5:71,592,959, C deleted. VCF-style (leftmost placement, unchanged base first): chr5-71592958-TC-T. GRCh37 (hg19) VCF-style: chr5-70888785-TC-T.
Other names: c.163del, p.Gln55fs (NM_001363147.1); short protein forms Q55fs.
Identifiers: ClinVar variation 4816103 (VCV004816103.1).